The following is an entry in ClinVar:

ClinVar aggregate classification (germline): Uncertain significance (1 of 4 stars; one submission).

Conditions:
Long QT syndrome (LQTS). Identifiers: MedGen C0023976, MeSH D008133, MONDO:0002442. Disease mechanism: loss of function. Inheritance: Various modes of inheritance.

Submission:

Labcorp Genetics (formerly Invitae), Labcorp
Classification: Uncertain significance for Long QT syndrome. Last evaluated: 2020-01-28. Review status: criteria provided, single submitter. Criteria: Invitae Variant Classification Sherloc (09022015). Collection method: clinical testing. Allele origin: germline.
Comment: This sequence change replaces threonine with isoleucine at codon 353 of the KCNH2 protein (p.Thr353Ile). The threonine residue is moderately conserved and there is a moderate physicochemical difference between threonine and isoleucine. This variant is not present in population databases (ExAC no frequency). This variant has not been reported in the literature in individuals with KCNH2-related conditions. Algorithms developed to predict the effect of missense changes on protein structure and function (SIFT, PolyPhen-2, Align-GVGD) all suggest that this variant is likely to be tolerated, but these predictions have not been confirmed by published functional studies and their clinical significance is uncertain. In summary, the available evidence is currently insufficient to determine the role of this variant in disease. Therefore, it has been classified as a Variant of Uncertain Significance.

NM_000238.4(KCNH2):c.1058C>T (p.Thr353Ile)

Gene: KCNH2 (potassium voltage-gated channel subfamily H member 2; minus strand). Cytogenetic location: 7q36.1.
Variant type: single nucleotide variant.
Coding change: c.1058C>T on transcript NM_000238.4 (MANE Select); coding-DNA position 1058, C replaced by T.
Protein change: p.Thr353Ile; replaces threonine 353 with isoleucine.
Molecular consequence: missense variant.
Genome position (GRCh38, 1-based): chr7:150,957,361, G>A on the plus strand (C>T on the coding strand, the complement: KCNH2 is on the minus strand). VCF-style: chr7-150957361-G-A. GRCh37 (hg19) VCF-style: chr7-150654449-G-A.
Other names: c.770C>T, p.Thr257Ile (NM_001406753.1, NM_001406756.1); c.881C>T, p.Thr294Ile (NM_001406755.1); c.758C>T, p.Thr253Ile (NM_001406757.1); c.1058C>T, p.Thr353Ile (NM_172056.3); short protein forms T353I, T257I, T294I, T253I.
Identifiers: ClinVar variation 1047609 (VCV001047609.10), dbSNP rs1801408187, ClinGen allele CA369861558.